The following is an entry in ClinVar:

NM_005677.4(COLQ):c.655G>A (p.Gly219Ser)

Gene: COLQ (collagen like tail subunit of asymmetric acetylcholinesterase; minus strand). Cytogenetic location: 3p25.1.
Variant type: single nucleotide variant.
Coding change: c.655G>A on transcript NM_005677.4 (MANE Select); coding-DNA position 655, G replaced by A.
Protein change: p.Gly219Ser; replaces glycine 219 with serine.
Molecular consequence: missense variant.
Genome position (GRCh38, 1-based): chr3:15,470,598, C>T on the plus strand (G>A on the coding strand, the complement: COLQ is on the minus strand). VCF-style: chr3-15470598-C-T. GRCh37 (hg19) VCF-style: chr3-15512105-C-T.
Other names: c.625G>A, p.Gly209Ser (NM_080538.2); c.553G>A, p.Gly185Ser (NM_080539.4); short protein forms G219S, G209S, G185S.
Identifiers: ClinVar variation 1363279 (VCV001363279.8), dbSNP rs2125109848, ClinGen allele CA351598108.

ClinVar aggregate classification (germline): Uncertain significance (1 of 4 stars; one submission).

Conditions:
Congenital myasthenic syndrome 5. Identifiers: Orphanet 590, MedGen C1864233, MONDO:0011281, OMIM 603034.

Allele frequency attached by ClinVar (database versions not stated): gnomAD exomes below 0.00001.
gnomAD v4.1: 1 of 1,614,100 alleles (0.000062%); highest among the groups gnomAD compares: Non-Finnish European, 0.000085%; no homozygotes.

Submission:

Labcorp Genetics (formerly Invitae), Labcorp
Classification: Uncertain significance for Congenital myasthenic syndrome 5. Last evaluated: 2024-03-11. Review status: criteria provided, single submitter. Criteria: Invitae Variant Classification Sherloc (09022015). Collection method: clinical testing. Allele origin: germline.
Comment: This sequence change replaces glycine, which is neutral and non-polar, with serine, which is neutral and polar, at codon 219 of the COLQ protein (p.Gly219Ser). This variant is not present in population databases (gnomAD no frequency). This variant has not been reported in the literature in individuals affected with COLQ-related conditions. ClinVar contains an entry for this variant (Variation ID: 1363279). Advanced modeling of protein sequence and biophysical properties (such as structural, functional, and spatial information, amino acid conservation, physicochemical variation, residue mobility, and thermodynamic stability) performed at Invitae indicates that this missense variant is not expected to disrupt COLQ protein function with a negative predictive value of 80%. In summary, the available evidence is currently insufficient to determine the role of this variant in disease. Therefore, it has been classified as a Variant of Uncertain Significance.